The following is an entry in ClinVar:

ClinVar aggregate classification (germline): Uncertain significance (1 of 4 stars; one submission).

Conditions:
Familial focal epilepsy with variable foci (FPEVF). Identifiers: Orphanet 98820, MedGen C1858477, MONDO:0020310.

Submission:

Labcorp Genetics (formerly Invitae), Labcorp
Classification: Uncertain significance for Familial focal epilepsy with variable foci. Last evaluated: 2019-09-24. Review status: criteria provided, single submitter. Criteria: Invitae Variant Classification Sherloc (09022015). Collection method: clinical testing. Allele origin: germline.
Comment: This sequence change falls in intron 9 of the DEPDC5 gene. It does not directly change the encoded amino acid sequence of the DEPDC5 protein, but it affects a nucleotide within the consensus splice site of the intron. This variant is not present in population databases (ExAC no frequency). This variant has not been reported in the literature in individuals with DEPDC5-related conditions. Nucleotide substitutions within the consensus splice site are a relatively common cause of aberrant splicing (PMID: 17576681, 9536098). Algorithms developed to predict the effect of sequence changes on RNA splicing suggest that this variant may disrupt the consensus splice site, but this prediction has not been confirmed by published transcriptional studies. In summary, the available evidence is currently insufficient to determine the role of this variant in disease. Therefore, it has been classified as a Variant of Uncertain Significance.

Literature cited by the submitters: PubMed 17576681; PubMed 9536098.

NM_001242896.3(DEPDC5):c.563-3C>G

Gene: DEPDC5 (DEP domain containing 5, GATOR1 subcomplex subunit; plus strand). Cytogenetic location: 22q12.2.
Variant type: single nucleotide variant.
Coding change: c.563-3C>G on transcript NM_001242896.3 (MANE Select); 3 bases into the intron before coding-DNA position 563, C replaced by G.
Molecular consequence: intron variant.
Genome position (GRCh38, 1-based): chr22:31,784,811, C>G. VCF-style: chr22-31784811-C-G. GRCh37 (hg19) VCF-style: chr22-32180797-C-G.
Other names: c.563-3C>G (NM_001364318.2, NM_001136029.4, NM_014662.6 and 7 more transcripts); c.479-3C>G (NM_001369902.1, NM_001369901.1).
Identifiers: ClinVar variation 936636 (VCV000936636.3), dbSNP rs2084816247, ClinGen allele CA1139667069.
Genomic context (GRCh38, chr22:31,784,811, plus strand): 5'-ATTGCAAGCAAGAAATAAAGATTGTTCTCATGTTCTCATCCTTTTTTCATTGTTTCTTTT[C>G]AGGGGATTTGTATTTTGAGAAAGCTGTGAATGGTTTCCTTGCTGATCTATTTACCAAGTG-3'